The following is an entry in ClinVar:

ClinVar aggregate classification (germline): Uncertain significance (1 of 4 stars; one submission).

Conditions:
Dilated cardiomyopathy 1DD (CMD1DD). Identifiers: Orphanet 154, MedGen C2750995, MONDO:0013168, OMIM 613172.

Submission:

Victorian Clinical Genetics Services, Murdoch Childrens Research Institute
Classification: Uncertain significance for Dilated cardiomyopathy 1DD. Last evaluated: 2023-07-17. Review status: criteria provided, single submitter. Criteria: ACMG Guidelines, 2015. Collection method: clinical testing. Allele origin: germline. Inheritance: Autosomal dominant inheritance. Affected: yes.
Comment: Based on the classification scheme VCGS_Germline_v1.3.4, this variant is classified as VUS-3B. Following criteria are met: 0102 - Loss of function is a known mechanism of disease in this gene and is associated with dilated cardiomyopathy 1DD (MIM#613172), gain of function has also been suggested (PMID: 34575212). (I) 0107 - This gene is associated with autosomal dominant disease. (I) 0200 - Variant is predicted to result in a missense amino acid change from asparagine to aspartic acid. (I) 0251 - This variant is heterozygous. (I) 0301 - Variant is absent from gnomAD (both v2 and v3). (SP) 0502 - Missense variant with conflicting in silico predictions and high conservation. (I) 0600 - Variant is located in the annotated RRM_RBM20 domain (NCBI, PMID: 34575212). (I) 0705 - No comparable missense variants have previous evidence for pathogenicity. (I) 0807 - This variant has no previous evidence of pathogenicity. (I) 0905 - No published segregation evidence has been identified for this variant. (I) 1007 - No published functional evidence has been identified for this variant. (I) 1208 - Inheritance information for this variant is not currently available in this individual. (I) Legend: (SP) - Supporting pathogenic, (I) - Information, (SB) - Supporting benign

Literature cited by the submitters: PubMed 34575212.

NM_001134363.3(RBM20):c.1639A>G (p.Asn547Asp)

Gene: RBM20 (RNA binding motif protein 20; plus strand). Cytogenetic location: 10q25.2.
Variant type: single nucleotide variant.
Coding change: c.1639A>G on transcript NM_001134363.3 (MANE Select); coding-DNA position 1639, A replaced by G.
Protein change: p.Asn547Asp; replaces asparagine 547 with aspartic acid.
Molecular consequence: missense variant.
Genome position (GRCh38, 1-based): chr10:110,797,619, A>G. VCF-style: chr10-110797619-A-G. GRCh37 (hg19) VCF-style: chr10-112557377-A-G.
Other names: short protein forms N547D.
Identifiers: ClinVar variation 3254891 (VCV003254891.1), dbSNP rs2493444954.